The following is an entry in ClinVar:

ClinVar aggregate classification (germline): Uncertain significance (1 of 4 stars; one submission).

Conditions:
Epidermolysis bullosa simplex 3, localized or generalized intermediate, with BP230 deficiency (EBS3). Also called: Epidermolysis bullosa simplex, autosomal recessive 2; Epidermolysis bullosa simplex due to BP230 deficiency. Identifiers: Orphanet 412181, MedGen C3809470, MONDO:0014180, OMIM 615425.
Hereditary sensory and autonomic neuropathy type 6. Also called: Neuropathy, hereditary sensory and autonomic, type VI; HSAN VI. Identifiers: Orphanet 314381, MedGen C3539003, MONDO:0013839, OMIM 614653.

Allele frequency attached by ClinVar (database versions not stated): gnomAD exomes below 0.00001.
gnomAD v4.1: 1 of 1,579,226 alleles (0.000063%); highest among the groups gnomAD compares: Non-Finnish European, 0.000086%; no homozygotes.

Submission:

Labcorp Genetics (formerly Invitae), Labcorp
Classification: Uncertain significance for Epidermolysis bullosa simplex 3, localized or generalized intermediate, with BP230 deficiency; Hereditary sensory and autonomic neuropathy type 6. Last evaluated: 2023-07-14. Review status: criteria provided, single submitter. Criteria: Invitae Variant Classification Sherloc (09022015). Collection method: clinical testing. Allele origin: germline.
Comment: The DST gene has multiple clinically relevant transcripts. This variant occurs in alternate transcript NM_015548.4, and corresponds to NM_001723.5:c.*117673A>T in the primary transcript. In summary, the available evidence is currently insufficient to determine the role of this variant in disease. Therefore, it has been classified as a Variant of Uncertain Significance. Experimental studies and prediction algorithms are not available or were not evaluated, and the effect of this variant on mRNA splicing is currently unknown. This variant has not been reported in the literature in individuals affected with DST-related conditions. This variant is not present in population databases (gnomAD no frequency). This sequence change falls in intron 62 of the DST gene. It does not directly change the encoded amino acid sequence of the DST protein.

NM_001374736.1(DST):c.20094+12A>T

Gene: DST (dystonin; minus strand). Cytogenetic location: 6p12.1.
Variant type: single nucleotide variant.
Coding change: c.20094+12A>T on transcript NM_001374736.1 (MANE Select); 12 bases into the intron after coding-DNA position 20094, A replaced by T.
Molecular consequence: intron variant.
Genome position (GRCh38, 1-based): chr6:56,497,844, T>A on the plus strand (A>T on the coding strand, the complement: DST is on the minus strand). VCF-style: chr6-56497844-T-A. GRCh37 (hg19) VCF-style: chr6-56362642-T-A.
Other names: c.13737+12A>T (NM_001144769.5); c.20094+12A>T (NM_001374722.1); c.20121+12A>T (NM_001374734.1); c.13323+12A>T (NM_001144770.2); c.12876+12A>T (NM_001374730.1); c.13203+12A>T (NM_001386100.1, NM_183380.4); c.19134+12A>T (NM_001374729.1); c.12225+12A>T (NM_015548.5).
Identifiers: ClinVar variation 2947857 (VCV002947857.3), dbSNP rs1307527201, ClinGen allele CA2679208308.
Genomic context (GRCh38, chr6:56,497,844, plus strand): 5'-CTAATAAAAGAATTCCATGCTATTTTGGTCTTGAATGCTATAAAAACTTTCAGAATTTAT[T>A]CTCTTACTCACCTGGCGCAAGGCACCATCCAGCTGCTGCTTCCTTTGTTCTGTTTTTTCC-3'